The following is an entry in ClinVar:

NM_019888.3(MC3R):c.442del (p.Tyr148fs)

Gene: MC3R (melanocortin 3 receptor; plus strand). Cytogenetic location: 20q13.2.
Variant type: Deletion.
Coding change: c.442del on transcript NM_019888.3 (MANE Select); coding-DNA position 442, one base deleted (T; older notation c.442delT).
Protein change: p.Tyr148fs; shifts the reading frame from tyrosine 148.
Molecular consequence: frameshift variant.
Genome position (GRCh38, 1-based): chr20:56,249,285, T deleted; the last of 4 consecutive T bases (chr20:56,249,282-56,249,285); deleting any one gives the same sequence. VCF-style (leftmost placement, unchanged base first): chr20-56249281-CT-C. GRCh37 (hg19) VCF-style: chr20-54824337-CT-C.
Other names: c.442delT (NM_019888.3); short protein forms Y148fs.
Identifiers: ClinVar variation 3344733 (VCV003344733.1).

ClinVar aggregate classification (germline): Uncertain significance (0 of 4 stars; one submission).

Conditions:
MC3R-related disorder. Also called: MC3R-related condition.

Submission:

PreventionGenetics, part of Exact Sciences
Classification: Uncertain significance for MC3R-related condition. Last evaluated: 2024-05-03. Review status: no assertion criteria provided. Collection method: clinical testing. Allele origin: germline.
Comment: The MC3R c.442delT variant is predicted to result in a frameshift and premature protein termination (p.Tyr148Thrfs*9). To our knowledge, this variant has not been reported in the literature or in a large population database, indicating this variant is rare. At this time, the clinical significance of this variant is uncertain due to the absence of conclusive functional and genetic evidence.